The following is an entry in ClinVar:

ClinVar aggregate classification (germline): Pathogenic (1 of 4 stars; one submission).

gnomAD v4.1: 1 of 1,211,719 alleles (0.000083%); highest among the groups gnomAD compares: Non-Finnish European, 0.00011%; no homozygotes.

Submission:

Labcorp Genetics (formerly Invitae), Labcorp
Classification: Pathogenic. Last evaluated: 2021-05-20. Review status: criteria provided, single submitter. Criteria: Invitae Variant Classification Sherloc (09022015). Collection method: clinical testing. Allele origin: germline.
Comment: This sequence change creates a premature translational stop signal (p.Arg481*) in the MAMLD1 gene. It is expected to result in an absent or disrupted protein product. Loss-of-function variants in MAMLD1 are known to be pathogenic (PMID: 22479329, 27899157). This variant is not present in population databases (ExAC no frequency). This variant has been observed in individual(s) with X-linked hypospadias (PMID: 30668521). For these reasons, this variant has been classified as Pathogenic.

Literature cited by the submitters: PubMed 22479329; PubMed 27899157; PubMed 30668521.

NM_005491.5(MAMLD1):c.1441C>T (p.Arg481Ter)

Gene: MAMLD1 (mastermind like domain containing 1; plus strand). Cytogenetic location: Xq28.
Variant type: single nucleotide variant.
Coding change: c.1441C>T on transcript NM_005491.5 (MANE Select); coding-DNA position 1441, C replaced by T.
Protein change: p.Arg481Ter; replaces arginine 481 with a stop codon.
Molecular consequence: nonsense.
Genome position (GRCh38, 1-based): chrX:150,471,014, C>T. VCF-style: chrX-150471014-C-T. GRCh37 (hg19) VCF-style: chrX-149639286-C-T.
Other names: c.1366C>T, p.Arg456Ter (NM_001177465.3, NM_001177466.3, NM_001400514.1); c.1441C>T, p.Arg481Ter (NM_001400512.1, NM_001400513.1, NM_001400515.1); short protein forms R481*, R456*.
Identifiers: ClinVar variation 1352623 (VCV001352623.8), dbSNP rs2148300897, ClinGen allele CA415225596.